The following is an entry in ClinVar:

ClinVar aggregate classification (germline): Uncertain significance (1 of 4 stars; one submission).

Conditions:
Hereditary cancer-predisposing syndrome. Also called: Tumor predisposition; Hereditary Cancer Syndrome; Hereditary neoplastic syndrome; Neoplastic Syndromes, Hereditary. Identifiers: Orphanet 140162, MedGen C0027672, MeSH D009386, MONDO:0015356.

Submission:

Ambry Genetics
Classification: Uncertain significance for Hereditary cancer-predisposing syndrome. Last evaluated: 2023-09-13. Review status: criteria provided, single submitter. Criteria: Ambry Variant Classification Scheme 2023. Collection method: clinical testing. Allele origin: germline.
Comment: The p.A465S variant (also known as c.1393G>T), located in coding exon 4 of the MSH6 gene, results from a G to T substitution at nucleotide position 1393. The alanine at codon 465 is replaced by serine, an amino acid with similar properties. This amino acid position is conserved. In addition, this alteration is predicted to be tolerated by in silico analysis. Since supporting evidence is limited at this time, the clinical significance of this alteration remains unclear.

NM_000179.3(MSH6):c.1393G>T (p.Ala465Ser)

Gene: MSH6 (mutS homolog 6; plus strand). Cytogenetic location: 2p16.3.
Variant type: single nucleotide variant.
Coding change: c.1393G>T on transcript NM_000179.3 (MANE Select); coding-DNA position 1393, G replaced by T.
Protein change: p.Ala465Ser; replaces alanine 465 with serine.
Molecular consequence: missense variant. On other transcripts: non-coding transcript variant (4), intron variant (1).
Genome position (GRCh38, 1-based): chr2:47,799,376, G>T. VCF-style: chr2-47799376-G-T. GRCh37 (hg19) VCF-style: chr2-48026515-G-T.
Other names: c.1003G>T, p.Ala335Ser (NM_001281492.2); c.487G>T, p.Ala163Ser (NM_001281493.2, NM_001281494.2, NM_001406811.1 and 6 more transcripts); c.1489G>T, p.Ala497Ser (NM_001406795.1, NM_001406802.1); c.1393G>T, p.Ala465Ser (NM_001406796.1, NM_001406798.1, NM_001406800.1 and 4 more transcripts); c.1096G>T, p.Ala366Ser (NM_001406797.1, NM_001406801.1, NM_001406805.1 and 10 more transcripts); c.868G>T, p.Ala290Ser (NM_001406799.1, NM_001406806.1, NM_001406807.1); c.1315G>T, p.Ala439Ser (NM_001406804.1); c.1399G>T, p.Ala467Ser (NM_001406813.1); and 2 more; short protein forms A366S, A409S, A467S, A497S, A163S, A290S, A335S, A439S.
Identifiers: ClinVar variation 2587372 (VCV002587372.2), dbSNP rs1553412810, ClinGen allele CA346745127.
Genomic context (GRCh38, chr2:47,799,376, plus strand): 5'-AGTGAACTGGGGCTGGTATTCATGAAAGGCAACTGGGCCCATTCTGGCTTTCCTGAAATT[G>T]CATTTGGCCGTTATTCAGATTCCCTGGTGCAGAAGGGCTATAAAGTAGCACGAGTGGAAC-3'
Protein context (NP_000170.1, residues 455-475): NWAHSGFPEI[Ala465Ser]FGRYSDSLVQ